The following is an entry in ClinVar:

ClinVar aggregate classification (germline): Uncertain significance (1 of 4 stars; one submission).

Submission:

Labcorp Genetics (formerly Invitae), Labcorp
Classification: Uncertain significance. Last evaluated: 2024-10-19. Review status: criteria provided, single submitter. Criteria: Invitae Variant Classification Sherloc (09022015). Collection method: clinical testing. Allele origin: germline.
Comment: This sequence change replaces histidine, which is basic and polar, with arginine, which is basic and polar, at codon 238 of the PPP1CB protein (p.His238Arg). This variant is not present in population databases (gnomAD no frequency). This variant has not been reported in the literature in individuals affected with PPP1CB-related conditions. Invitae Evidence Modeling of protein sequence and biophysical properties (such as structural, functional, and spatial information, amino acid conservation, physicochemical variation, residue mobility, and thermodynamic stability) indicates that this missense variant is expected to disrupt PPP1CB protein function with a positive predictive value of 80%. In summary, the available evidence is currently insufficient to determine the role of this variant in disease. Therefore, it has been classified as a Variant of Uncertain Significance.

NM_002709.3(PPP1CB):c.713A>G (p.His238Arg)

Gene: PPP1CB (protein phosphatase 1 catalytic subunit beta; plus strand). Cytogenetic location: 2p23.2.
Variant type: single nucleotide variant.
Coding change: c.713A>G on transcript NM_002709.3 (MANE Select); coding-DNA position 713, A replaced by G.
Protein change: p.His238Arg; replaces histidine 238 with arginine.
Molecular consequence: missense variant.
Genome position (GRCh38, 1-based): chr2:28,788,778, A>G. VCF-style: chr2-28788778-A-G. GRCh37 (hg19) VCF-style: chr2-29011644-A-G.
Other names: c.713A>G, p.His238Arg (NM_206876.2); short protein forms H238R.
Identifiers: ClinVar variation 3696404 (VCV003696404.2).